The following is an entry in ClinVar:

NM_002087.4(GRN):c.384T>C (p.Asp128=)

Gene: GRN (granulin precursor; plus strand). Cytogenetic location: 17q21.31.
Variant type: single nucleotide variant.
Coding change: c.384T>C on transcript NM_002087.4 (MANE Select); coding-DNA position 384, T replaced by C.
Protein change: p.Asp128=; no amino-acid change (aspartic acid 128 retained).
Molecular consequence: synonymous variant.
Genome position (GRCh38, 1-based): chr17:44,350,262, T>C. VCF-style: chr17-44350262-T-C. GRCh37 (hg19) VCF-style: chr17-42427630-T-C.
Identifiers: ClinVar variation 98137 (VCV000098137.65), dbSNP rs25646, ClinGen allele CA225241.

ClinVar aggregate classification (germline): Benign/Likely benign. Review status: criteria provided, multiple submitters, no conflicts (2 of 4 stars). 15 submissions from 15 submitters: Benign (7); Likely benign (2). 6 of the submissions do not count toward it. Last evaluated 2026-02-02.

Conditions:
GRN-related frontotemporal lobar degeneration with Tdp43 inclusions (FTD2). Also called: DEMENTIA, HEREDITARY DYSPHASIC DISINHIBITION; FRONTOTEMPORAL LOBAR DEGENERATION WITH UBIQUITIN-POSITIVE INCLUSIONS; FTLD-TDP, GRN-RELATED; FRONTOTEMPORAL DEMENTIA WITH TDP43 INCLUSIONS, GRN-RELATED; GRN Frontotemporal Dementia. Identifiers: Orphanet 100070, Orphanet 282, MedGen C1843792, MONDO:0011842, OMIM 607485. Disease mechanism: loss of function.
Neuronal ceroid lipofuscinosis 11. Also called: GRN-Related Neuronal Ceroid-Lipofuscinosis. Identifiers: Orphanet 314629, Orphanet 79262, MedGen C3539123, MONDO:0013866, OMIM 614706.
Inborn genetic diseases. Identifiers: MedGen C0950123, MeSH D030342.

Allele frequency attached by ClinVar (database versions not stated): ESP Exome Variant Server 0.02145; gnomAD 0.02616 and 0.03192; TOPMed 0.03097; gnomAD exomes 0.03608 and 0.05137; ExAC 0.05004; 1000 Genomes Project 30x 0.07870; 1000 Genomes Project 0.08546.
gnomAD v4.1: 57,976 of 1,613,744 alleles (3.6%); highest among the groups gnomAD compares: East Asian, 27%; 2,632 homozygotes.

Submissions (15):

Labcorp Genetics (formerly Invitae), Labcorp
Classification: Benign for Neuronal ceroid lipofuscinosis 11; GRN-related frontotemporal lobar degeneration with Tdp43 inclusions. Last evaluated: 2026-02-02. Review status: criteria provided, single submitter. Criteria: Invitae Variant Classification Sherloc (09022015). Collection method: clinical testing. Allele origin: germline.

Blueprint Genetics
Classification: Benign. Last evaluated: 2024-11-27. Review status: criteria provided, single submitter. Criteria: ACMG Guidelines, 2015. Collection method: clinical testing. Allele origin: germline.

Fulgent Genetics
Classification: Benign for GRN-related frontotemporal lobar degeneration with Tdp43 inclusions; Neuronal ceroid lipofuscinosis 11. Last evaluated: 2021-08-23. Review status: criteria provided, single submitter. Criteria: ACMG Guidelines, 2015. Collection method: clinical testing. Allele origin: unknown.

GeneDx
Classification: Benign. Last evaluated: 2018-08-14. Review status: criteria provided, single submitter. Criteria: GeneDx Variant Classification Process June 2021. Collection method: clinical testing. Allele origin: germline. Affected: yes.

Athena Diagnostics
Classification: Benign. Last evaluated: 2017-08-25. Review status: criteria provided, single submitter. Criteria: Athena Diagnostics Criteria. Collection method: clinical testing. Allele origin: germline.

Illumina Laboratory Services, Illumina
Classification: Likely benign for GRN-related frontotemporal lobar degeneration with Tdp43 inclusions. Last evaluated: 2017-04-27. Review status: criteria provided, single submitter. Criteria: ICSL Variant Classification Criteria 13 December 2019. Collection method: clinical testing. Allele origin: germline.
Comment: This variant was observed as part of a predisposition screen in an ostensibly healthy population. A literature search was performed for the gene, cDNA change, and amino acid change (where applicable). No publications were found based on this search. Allele frequency data from public databases allowed determination this variant is unlikely to cause disease. Therefore, this variant is classified as likely benign.

Ambry Genetics
Classification: Benign for Inborn genetic diseases. Last evaluated: 2016-03-04. Review status: criteria provided, single submitter. Criteria: Ambry Variant Classification Scheme 2023. Collection method: clinical testing. Allele origin: germline.

Breakthrough Genomics
Classification: Likely benign. Review status: criteria provided, single submitter. Criteria: ACMG Guidelines, 2015. Collection method: not provided. Allele origin: germline. Inheritance: Autosomal recessive inheritance. Affected: yes.

PreventionGenetics, part of Exact Sciences
Classification: Benign. Review status: criteria provided, single submitter. Criteria: ACMG Guidelines, 2015. Collection method: clinical testing. Allele origin: germline.

Mayo Clinic Laboratories, Mayo Clinic
Classification: Benign. Last evaluated: 2015-12-16. Review status: no assertion criteria provided. Collection method: clinical testing. Allele origin: unknown. Not counted in ClinVar's aggregate classification.

Clinical Genetics DNA and cytogenetics Diagnostics Lab, Erasmus MC, Erasmus Medical Center
Classification: Benign. Review status: no assertion criteria provided. Collection method: clinical testing. Allele origin: germline. Affected: yes. Study: VKGL Data-share Consensus. Not counted in ClinVar's aggregate classification.

Diagnostic Laboratory, Department of Genetics, University Medical Center Groningen
Classification: Benign. Review status: no assertion criteria provided. Collection method: clinical testing. Allele origin: germline. Affected: yes. Study: VKGL Data-share Consensus. Not counted in ClinVar's aggregate classification.

Genome Diagnostics Laboratory, Amsterdam University Medical Center
Classification: Benign. Review status: no assertion criteria provided. Collection method: clinical testing. Allele origin: germline. Affected: yes. Study: VKGL Data-share Consensus. Not counted in ClinVar's aggregate classification.

Genome Diagnostics Laboratory, University Medical Center Utrecht
Classification: Benign. Review status: no assertion criteria provided. Collection method: clinical testing. Allele origin: germline. Affected: yes. Study: VKGL Data-share Consensus. Not counted in ClinVar's aggregate classification.

VIB  Department of Molecular Genetics, University of Antwerp
No classification provided. Review status: no classification provided. Collection method: not provided. Allele origin: unknown. Not counted in ClinVar's aggregate classification.